The following is an entry in ClinVar:

ClinVar aggregate classification (germline): Uncertain significance. Review status: criteria provided, multiple submitters, no conflicts (2 of 4 stars). 3 submissions from 3 submitters: Uncertain significance (3). Last evaluated 2025-03-04.

Conditions:
Hereditary cancer-predisposing syndrome. Also called: Hereditary Cancer Syndrome; Neoplastic Syndromes, Hereditary; Hereditary neoplastic syndrome; Tumor predisposition. Identifiers: Orphanet 140162, MedGen C0027672, MeSH D009386, MONDO:0015356.
POLD1-related polyposis and colorectal cancer syndrome (CRCS10). Also called: COLORECTAL CANCER, SUSCEPTIBILITY TO, ON CHROMOSOME 19q; Colorectal cancer 10; Colorectal cancer, susceptibility to, 10. Identifiers: Orphanet 220460, MedGen C2675481, MONDO:0012953, OMIM 612591.

Allele frequency attached by ClinVar (database versions not stated): gnomAD exomes below 0.00001.
gnomAD v4.1: 2 of 1,608,842 alleles (0.00012%); highest among the groups gnomAD compares: Non-Finnish European, 0.00017%; no homozygotes.

Submissions (3):

Center for Genomic Medicine, Rigshospitalet, Copenhagen University Hospital
Classification: Uncertain significance. Last evaluated: 2025-03-04. Review status: criteria provided, single submitter. Criteria: ACMG Guidelines, 2015. Collection method: clinical testing. Allele origin: germline.

Ambry Genetics
Classification: Uncertain significance for Hereditary cancer-predisposing syndrome. Last evaluated: 2025-02-14. Review status: criteria provided, single submitter. Criteria: Ambry Variant Classification Scheme 2023. Collection method: clinical testing. Allele origin: germline.
Comment: The p.L839I variant (also known as c.2515C>A), located in coding exon 19 of the POLD1 gene, results from a C to A substitution at nucleotide position 2515. The leucine at codon 839 is replaced by isoleucine, an amino acid with highly similar properties. This amino acid position is highly conserved in available vertebrate species. In addition, this alteration is predicted to be tolerated by in silico analysis. Based on the available evidence, the clinical significance of this variant remains unclear.

Labcorp Genetics (formerly Invitae), Labcorp
Classification: Uncertain significance for POLD1-related polyposis and colorectal cancer syndrome. Last evaluated: 2024-09-12. Review status: criteria provided, single submitter. Criteria: Invitae Variant Classification Sherloc (09022015). Collection method: clinical testing. Allele origin: germline.
Comment: This sequence change replaces leucine, which is neutral and non-polar, with isoleucine, which is neutral and non-polar, at codon 839 of the POLD1 protein (p.Leu839Ile). This variant is not present in population databases (gnomAD no frequency). This variant has not been reported in the literature in individuals affected with POLD1-related conditions. ClinVar contains an entry for this variant (Variation ID: 239296). Invitae Evidence Modeling of protein sequence and biophysical properties (such as structural, functional, and spatial information, amino acid conservation, physicochemical variation, residue mobility, and thermodynamic stability) indicates that this missense variant is not expected to disrupt POLD1 protein function with a negative predictive value of 80%. In summary, the available evidence is currently insufficient to determine the role of this variant in disease. Therefore, it has been classified as a Variant of Uncertain Significance.

NM_002691.4(POLD1):c.2515C>A (p.Leu839Ile)

Gene: POLD1 (DNA polymerase delta 1, catalytic subunit; plus strand). Cytogenetic location: 19q13.33.
Variant type: single nucleotide variant.
Coding change: c.2515C>A on transcript NM_002691.4 (MANE Select); coding-DNA position 2515, C replaced by A.
Protein change: p.Leu839Ile; replaces leucine 839 with isoleucine.
Molecular consequence: missense variant. On other transcripts: non-coding transcript variant (1).
Genome position (GRCh38, 1-based): chr19:50,414,941, C>A. VCF-style: chr19-50414941-C-A. GRCh37 (hg19) VCF-style: chr19-50918198-C-A.
Other names: c.2515C>A, p.Leu839Ile (NM_001256849.1); c.2593C>A, p.Leu865Ile (NM_001308632.1); short protein forms L839I, L865I.
Identifiers: ClinVar variation 239296 (VCV000239296.15), dbSNP rs878854538, ClinGen allele CA10583844.